The following is an entry in ClinVar:

NM_000388.4(CASR):c.2995G>A (p.Glu999Lys)

Gene: CASR (calcium sensing receptor; plus strand). Cytogenetic location: 3q21.1.
Variant type: single nucleotide variant.
Coding change: c.2995G>A on transcript NM_000388.4 (MANE Select); coding-DNA position 2995, G replaced by A.
Protein change: p.Glu999Lys; replaces glutamic acid 999 with lysine.
Molecular consequence: missense variant.
Genome position (GRCh38, 1-based): chr3:122,284,949, G>A. VCF-style: chr3-122284949-G-A. GRCh37 (hg19) VCF-style: chr3-122003796-G-A.
Other names: c.3025G>A, p.Glu1009Lys (NM_001178065.2); short protein forms E1009K, E999K.
Identifiers: ClinVar variation 1001315 (VCV001001315.9), dbSNP rs2074950648, ClinGen allele CA354161224.

ClinVar aggregate classification (germline): Uncertain significance (1 of 4 stars; one submission).

Conditions:
Autosomal dominant hypocalcemia 1 (HYPOC1). Also called: HYPOCALCEMIA, FAMILIAL. Identifiers: MedGen C3715128, MONDO:0011013, OMIM 601198.
Familial hypocalciuric hypercalcemia (FHH). Also called: Familial benign hypercalcemia. Identifiers: Orphanet 405, MedGen C1809471, MONDO:0018458.

Allele frequency attached by ClinVar (database versions not stated): gnomAD exomes below 0.00001.
gnomAD v4.1: 1 of 1,614,144 alleles (0.000062%); highest among the groups gnomAD compares: Non-Finnish European, 0.000085%; no homozygotes.

Submission:

Labcorp Genetics (formerly Invitae), Labcorp
Classification: Uncertain significance for Familial hypocalciuric hypercalcemia; Autosomal dominant hypocalcemia 1. Last evaluated: 2025-01-27. Review status: criteria provided, single submitter. Criteria: Invitae Variant Classification Sherloc (09022015). Collection method: clinical testing. Allele origin: germline.
Comment: This sequence change replaces glutamic acid, which is acidic and polar, with lysine, which is basic and polar, at codon 999 of the CASR protein (p.Glu999Lys). This variant is not present in population databases (gnomAD no frequency). This variant has not been reported in the literature in individuals affected with CASR-related conditions. ClinVar contains an entry for this variant (Variation ID: 1001315). An algorithm developed to predict the effect of missense changes on protein structure and function (PolyPhen-2) suggests that this variant is likely to be disruptive. In summary, the available evidence is currently insufficient to determine the role of this variant in disease. Therefore, it has been classified as a Variant of Uncertain Significance.